The following is an entry in ClinVar:

ClinVar aggregate classification (germline): Uncertain significance (1 of 4 stars; one submission).

Conditions:
Primary ciliary dyskinesia. Also called: Ciliary dyskinesia. Identifiers: Orphanet 244, MedGen C0008780, MONDO:0016575, HP:0012265.

Allele frequency attached by ClinVar (database versions not stated): gnomAD exomes 0.00016; ExAC 0.00027; 1000 Genomes Project 30x 0.00047; 1000 Genomes Project 0.00060; TOPMed 0.00006; ESP Exome Variant Server 0.00008; gnomAD 0.00011 and 0.00013.
gnomAD v4.1: 251 of 1,609,500 alleles (0.016%); highest among the groups gnomAD compares: East Asian, 0.31%; no homozygotes.

Submission:

Labcorp Genetics (formerly Invitae), Labcorp
Classification: Uncertain significance for Primary ciliary dyskinesia. Last evaluated: 2025-11-27. Review status: criteria provided, single submitter. Criteria: Invitae Variant Classification Sherloc (09022015). Collection method: clinical testing. Allele origin: germline.
Comment: This sequence change replaces arginine, which is basic and polar, with cysteine, which is neutral and slightly polar, at codon 1537 of the DNAH8 protein (p.Arg1537Cys). This variant is present in population databases (rs78877915, gnomAD 0.09%). This variant has not been reported in the literature in individuals affected with DNAH8-related conditions. ClinVar contains an entry for this variant (Variation ID: 454573). Invitae Evidence Modeling of protein sequence and biophysical properties (such as structural, functional, and spatial information, amino acid conservation, physicochemical variation, residue mobility, and thermodynamic stability) indicates that this missense variant is expected to disrupt DNAH8 protein function with a positive predictive value of 80%. In summary, the available evidence is currently insufficient to determine the role of this variant in disease. Therefore, it has been classified as a Variant of Uncertain Significance.

NM_001206927.2(DNAH8):c.4609C>T (p.Arg1537Cys)

Gene: DNAH8 (dynein axonemal heavy chain 8; plus strand). Cytogenetic location: 6p21.2.
Variant type: single nucleotide variant.
Coding change: c.4609C>T on transcript NM_001206927.2 (MANE Select); coding-DNA position 4609, C replaced by T.
Protein change: p.Arg1537Cys; replaces arginine 1537 with cysteine.
Molecular consequence: missense variant.
Genome position (GRCh38, 1-based): chr6:38,842,667, C>T. VCF-style: chr6-38842667-C-T. GRCh37 (hg19) VCF-style: chr6-38810443-C-T.
Other names: c.3958C>T, p.Arg1320Cys (NM_001371.4); short protein forms R1537C, R1320C.
Identifiers: ClinVar variation 454573 (VCV000454573.5), dbSNP rs78877915, ClinGen allele CA3789179.